The following is an entry in ClinVar:

NM_020964.3(EPG5):c.4771G>T (p.Gly1591Cys)

Gene: EPG5 (ectopic P-granules 5 autophagy tethering factor; minus strand). Cytogenetic location: 18q12.3.
Variant type: single nucleotide variant.
Coding change: c.4771G>T on transcript NM_020964.3 (MANE Select); coding-DNA position 4771, G replaced by T.
Protein change: p.Gly1591Cys; replaces glycine 1591 with cysteine.
Molecular consequence: missense variant.
Genome position (GRCh38, 1-based): chr18:45,899,442, C>A on the plus strand (G>T on the coding strand, the complement: EPG5 is on the minus strand). VCF-style: chr18-45899442-C-A. GRCh37 (hg19) VCF-style: chr18-43479407-C-A.
Other names: short protein forms G1591C.
Identifiers: ClinVar variation 1462719 (VCV001462719.6), dbSNP rs370120497, ClinGen allele CA402336807.

ClinVar aggregate classification (germline): Uncertain significance (1 of 4 stars; one submission).

Conditions:
Vici syndrome (VICIS). Identifiers: Orphanet 1493, MedGen C1855772, MONDO:0009452, OMIM 242840.

gnomAD v4.1: 1 of 1,614,100 alleles (0.000062%); highest among the groups gnomAD compares: Admixed American, 0.0017%; no homozygotes.

Submission:

Labcorp Genetics (formerly Invitae), Labcorp
Classification: Uncertain significance for Vici syndrome. Last evaluated: 2022-04-06. Review status: criteria provided, single submitter. Criteria: Invitae Variant Classification Sherloc (09022015). Collection method: clinical testing. Allele origin: germline.
Comment: This sequence change replaces glycine, which is neutral and non-polar, with cysteine, which is neutral and slightly polar, at codon 1591 of the EPG5 protein (p.Gly1591Cys). This variant is not present in population databases (gnomAD no frequency). This variant has not been reported in the literature in individuals affected with EPG5-related conditions. Algorithms developed to predict the effect of missense changes on protein structure and function are either unavailable or do not agree on the potential impact of this missense change (SIFT: "Deleterious"; PolyPhen-2: "Probably Damaging"; Align-GVGD: "Class C0"). In summary, the available evidence is currently insufficient to determine the role of this variant in disease. Therefore, it has been classified as a Variant of Uncertain Significance.